The following is an entry in ClinVar:

ClinVar aggregate classification (germline): Uncertain significance. Review status: criteria provided, multiple submitters, no conflicts (2 of 4 stars). 4 submissions from 4 submitters: Uncertain significance (4). Last evaluated 2025-09-27.

Conditions:
Inborn genetic diseases. Identifiers: MedGen C0950123, MeSH D030342.
Landau-Kleffner syndrome (FESD). Also called: APHASIA, ACQUIRED, WITH EPILEPSY; EPILEPSY, FOCAL, WITH SPEECH DISORDER AND WITH OR WITHOUT MENTAL RETARDATION. Identifiers: Orphanet 1945, Orphanet 725, Orphanet 98818, MedGen C0282512, MONDO:0009509, OMIM 245570.

Allele frequency attached by ClinVar (database versions not stated): TOPMed below 0.00001.

Submissions (4):

Labcorp Genetics (formerly Invitae), Labcorp
Classification: Uncertain significance for Landau-Kleffner syndrome. Last evaluated: 2025-09-27. Review status: criteria provided, single submitter. Criteria: Invitae Variant Classification Sherloc (09022015). Collection method: clinical testing. Allele origin: germline.
Comment: This sequence change replaces methionine, which is neutral and non-polar, with threonine, which is neutral and polar, at codon 934 of the GRIN2A protein (p.Met934Thr). This variant is not present in population databases (gnomAD no frequency). This variant has not been reported in the literature in individuals affected with GRIN2A-related conditions. ClinVar contains an entry for this variant (Variation ID: 205664). Invitae Evidence Modeling of protein sequence and biophysical properties (such as structural, functional, and spatial information, amino acid conservation, physicochemical variation, residue mobility, and thermodynamic stability) indicates that this missense variant is not expected to disrupt GRIN2A protein function with a negative predictive value of 95%. In summary, the available evidence is currently insufficient to determine the role of this variant in disease. Therefore, it has been classified as a Variant of Uncertain Significance.

GeneDx
Classification: Uncertain significance. Last evaluated: 2023-12-06. Review status: criteria provided, single submitter. Criteria: GeneDx Variant Classification Process June 2021. Collection method: clinical testing. Allele origin: germline. Affected: yes.
Comment: Not observed at significant frequency in large population cohorts (gnomAD); In silico analysis supports that this missense variant does not alter protein structure/function; Has not been previously published as pathogenic or benign to our knowledge

Fulgent Genetics
Classification: Uncertain significance for Landau-Kleffner syndrome. Last evaluated: 2021-08-12. Review status: criteria provided, single submitter. Criteria: ACMG Guidelines, 2015. Collection method: clinical testing. Allele origin: unknown.

Ambry Genetics
Classification: Uncertain significance for Inborn genetic diseases. Last evaluated: 2019-07-31. Review status: criteria provided, single submitter. Criteria: Ambry Variant Classification Scheme 2023. Collection method: clinical testing. Allele origin: germline.
Comment: The p.M934T variant (also known as c.2801T>C), located in coding exon 12 of the GRIN2A gene, results from a T to C substitution at nucleotide position 2801. The methionine at codon 934 is replaced by threonine, an amino acid with similar properties. This amino acid position is highly conserved in available vertebrate species. In addition, the in silico prediction for this alteration is inconclusive. Since supporting evidence is limited at this time, the clinical significance of this alteration remains unclear.

NM_001134407.3(GRIN2A):c.2801T>C (p.Met934Thr)

Gene: GRIN2A (glutamate ionotropic receptor NMDA type subunit 2A; minus strand). Cytogenetic location: 16p13.2.
Variant type: single nucleotide variant.
Coding change: c.2801T>C on transcript NM_001134407.3 (MANE Select); coding-DNA position 2801, T replaced by C.
Protein change: p.Met934Thr; replaces methionine 934 with threonine.
Molecular consequence: missense variant.
Genome position (GRCh38, 1-based): chr16:9,764,743, A>G on the plus strand (T>C on the coding strand, the complement: GRIN2A is on the minus strand). VCF-style: chr16-9764743-A-G. GRCh37 (hg19) VCF-style: chr16-9858600-A-G.
Other names: p.M934T:ATG>ACG; c.2801T>C, p.Met934Thr (NM_000833.5, NM_001134408.2); short protein forms M934T.
Identifiers: ClinVar variation 205664 (VCV000205664.9), dbSNP rs540019898, ClinGen allele CA314960.